The following is an entry in ClinVar:

NM_000287.4(PEX6):c.667del (p.Val223fs)

Gene: PEX6 (peroxisomal biogenesis factor 6; minus strand). Cytogenetic location: 6p21.1.
Variant type: Deletion.
Coding change: c.667del on transcript NM_000287.4 (MANE Select); coding-DNA position 667, one base deleted (G; older notation c.667delG).
Protein change: p.Val223fs; shifts the reading frame from valine 223.
Molecular consequence: frameshift variant. On other transcripts: non-coding transcript variant (1), intron variant (1).
Genome position (GRCh38, 1-based): chr6:42,978,484, C deleted on the plus strand (G on the coding strand, the reverse complement: PEX6 is on the minus strand); the first of 3 consecutive C bases (chr6:42,978,484-42,978,486); deleting any one gives the same sequence. VCF-style (leftmost placement, unchanged base first): chr6-42978483-AC-A. GRCh37 (hg19) VCF-style: chr6-42946221-AC-A.
Other names: c.618+49del (NM_001316313.2); short protein forms V223fs.
Identifiers: ClinVar variation 4818121 (VCV004818121.1).

ClinVar aggregate classification (germline): Likely pathogenic (1 of 4 stars; one submission).

Conditions:
Zellweger spectrum disorders (ZS). Also called: Zellweger Spectrum Disorder (ZSD); Zellweger syndrome; Zellweger Spectrum Disorder; Zellweger Spectrum. Identifiers: Orphanet 912, MedGen C0043459, MONDO:0019609.

Submission:

Natera, Inc.
Classification: Likely pathogenic for Zellweger syndrome. Last evaluated: 2024-07-17. Review status: criteria provided, single submitter. Criteria: Natera Variant Classification Schema (03/2026). Collection method: clinical testing. Allele origin: germline.
Comment: The c.667del variant in PEX6 is a frameshift variant predicted to shift the reading frame beginning at codon 223 and leads to a stop codon 23 codons downstream. This variant is expected to result in nonsense mediated decay, truncation, or a dysfunctional protein product. This variant is rare in the general population with a frequency below the threshold expected for the associated phenotype(s). Given the available evidence, this variant is classified as Likely Pathogenic.